The following is an entry in ClinVar:

ClinVar aggregate classification (germline): Likely benign. Review status: criteria provided, multiple submitters, no conflicts (2 of 4 stars). 3 submissions from 3 submitters: Likely benign (3). Last evaluated 2026-02-01.

Allele frequency attached by ClinVar (database versions not stated): ESP Exome Variant Server 0.00092; gnomAD 0.00098 and 0.00104; 1000 Genomes Project 0.00100; gnomAD exomes 0.00101 and 0.00121; 1000 Genomes Project 30x 0.00109; ExAC 0.00119; TOPMed 0.00142.
gnomAD v4.1: 1,698 of 1,613,164 alleles (0.11%); highest among the groups gnomAD compares: Middle Eastern, 1.3%; 7 homozygotes.

Submissions (3):

CeGaT Center for Human Genetics Tuebingen
Classification: Likely benign. Last evaluated: 2026-02-01. Review status: criteria provided, single submitter. Criteria: CeGaT Center For Human Genetics Tuebingen Variant Classification Criteria Version 2. Collection method: clinical testing. Allele origin: germline. Affected: yes. Observed: 2 variant alleles.
Comment: TSPOAP1: BP4

Dubai Health Genomic Medicine Center, Dubai Health
Classification: Likely benign. Last evaluated: 2020-01-08. Review status: criteria provided, single submitter. Criteria: ACMG Guidelines, 2015. Collection method: clinical testing. Allele origin: germline. Affected: yes.

Breakthrough Genomics
Classification: Likely benign. Review status: criteria provided, single submitter. Criteria: ACMG Guidelines, 2015. Collection method: not provided. Allele origin: germline. Inheritance: Unknown mechanism. Affected: yes.

NM_004758.4(TSPOAP1):c.2666G>A (p.Arg889Gln)

Gene: TSPOAP1 (TSPO associated protein 1; minus strand). Cytogenetic location: 17q22.
Variant type: single nucleotide variant.
Coding change: c.2666G>A on transcript NM_004758.4 (MANE Select); coding-DNA position 2666, G replaced by A.
Protein change: p.Arg889Gln; replaces arginine 889 with glutamine.
Molecular consequence: missense variant.
Genome position (GRCh38, 1-based): chr17:58,312,155, C>T on the plus strand (G>A on the coding strand, the complement: TSPOAP1 is on the minus strand). VCF-style: chr17-58312155-C-T. GRCh37 (hg19) VCF-style: chr17-56389516-C-T.
Other names: c.2666G>A, p.Arg889Gln (NM_001261835.2); c.2486G>A, p.Arg829Gln (NM_024418.3); short protein forms R829Q, R889Q.
Identifiers: ClinVar variation 1301779 (VCV001301779.27), dbSNP rs144106922, ClinGen allele CA8672012.